The following is an entry in ClinVar:

NM_002246.3(KCNK3):c.608G>A (p.Gly203Asp)

Gene: KCNK3 (potassium two pore domain channel subfamily K member 3; plus strand). Cytogenetic location: 2p23.3.
Variant type: single nucleotide variant.
Coding change: c.608G>A on transcript NM_002246.3 (MANE Select); coding-DNA position 608, G replaced by A.
Protein change: p.Gly203Asp; replaces glycine 203 with aspartic acid.
Molecular consequence: missense variant.
Genome position (GRCh38, 1-based): chr2:26,727,991, G>A. VCF-style: chr2-26727991-G-A. GRCh37 (hg19) VCF-style: chr2-26950859-G-A.
Other names: short protein forms G203D.
Identifiers: ClinVar variation 60479 (VCV000060479.2), dbSNP rs398123039, ClinGen allele CA211299.

ClinVar aggregate classification (germline): Pathogenic. Review status: criteria provided, single submitter (1 of 4 stars). 3 submissions from 3 submitters: Pathogenic (1). 2 of the submissions do not count toward it. Last evaluated 2025-09-02.

Conditions:
Pulmonary hypertension, primary, 4. Identifiers: Orphanet 422, MedGen C3809198, MONDO:0014136, OMIM 615344.
Pulmonary hypertension, primary, 1 (PPH1). Also called: Pulmonary hypertension, familial primary, 1, with or without HHT. Identifiers: Orphanet 422, MedGen C4552070, MONDO:0024533, OMIM 178600.

Submissions (3):

Labcorp Genetics (formerly Invitae), Labcorp
Classification: Pathogenic for Pulmonary hypertension, primary, 4. Last evaluated: 2025-09-02. Review status: criteria provided, single submitter. Criteria: Invitae Variant Classification Sherloc (09022015). Collection method: clinical testing. Allele origin: germline.
Comment: This sequence change replaces glycine, which is neutral and non-polar, with aspartic acid, which is acidic and polar, at codon 203 of the KCNK3 protein (p.Gly203Asp). This variant is not present in population databases (gnomAD no frequency). This missense change has been observed in individuals with pulmonary arterial hypertension (PMID: 23883380, 28388887; internal data). It has also been observed to segregate with disease in related individuals. ClinVar contains an entry for this variant (Variation ID: 60479). Invitae Evidence Modeling of protein sequence and biophysical properties (such as structural, functional, and spatial information, amino acid conservation, physicochemical variation, residue mobility, and thermodynamic stability) indicates that this missense variant is expected to disrupt KCNK3 protein function with a positive predictive value of 80%. Experimental studies have shown that this missense change affects KCNK3 function (PMID: 23883380, 28889099). For these reasons, this variant has been classified as Pathogenic.

Center for Genomic Medicine, Kyoto University Graduate School of Medicine
Classification: Pathogenic for Pulmonary hypertension, primary, 1. Last evaluated: 2016-07-11. Review status: no assertion criteria provided. Collection method: clinical testing. Allele origin: germline. Affected: yes. Not counted in ClinVar's aggregate classification.

OMIM
Classification: Pathogenic for PULMONARY HYPERTENSION, PRIMARY, 4. Last evaluated: 2013-07-25. Review status: no assertion criteria provided. Collection method: literature only. Allele origin: germline. Not counted in ClinVar's aggregate classification.

Literature cited by the submitters: PubMed 23883380 (cited by Labcorp Genetics (formerly Invitae), Labcorp and OMIM); PubMed 28388887 (cited by Labcorp Genetics (formerly Invitae), Labcorp); PubMed 28889099 (cited by Labcorp Genetics (formerly Invitae), Labcorp).